The following is an entry in ClinVar:

ClinVar aggregate classification (germline): Likely benign (0 of 4 stars; one submission).

Conditions:
PLXNA3-related disorder. Also called: PLXNA3-related condition.

gnomAD v4.1: 48 of 1,118,445 alleles (0.0043%); highest among the groups gnomAD compares: Middle Eastern, 0.025%; no homozygotes.

Submission:

PreventionGenetics, part of Exact Sciences
Classification: Likely benign for PLXNA3-related condition. Last evaluated: 2021-12-30. Review status: no assertion criteria provided. Collection method: clinical testing. Allele origin: germline.
Comment: This variant is classified as likely benign based on ACMG/AMP sequence variant interpretation guidelines (Richards et al. 2015 PMID: 25741868, with internal and published modifications).

NM_017514.5(PLXNA3):c.579G>A (p.Ala193=)

Gene: PLXNA3 (plexin A3; plus strand). Cytogenetic location: Xq28.
Variant type: single nucleotide variant.
Coding change: c.579G>A on transcript NM_017514.5 (MANE Select); coding-DNA position 579, G replaced by A.
Protein change: p.Ala193=; no amino-acid change (alanine 193 retained).
Molecular consequence: synonymous variant.
Genome position (GRCh38, 1-based): chrX:154,460,762, G>A. VCF-style: chrX-154460762-G-A. GRCh37 (hg19) VCF-style: chrX-153689102-G-A.
Identifiers: ClinVar variation 3351150 (VCV003351150.1).